The following is an entry in ClinVar:

ClinVar aggregate classification (germline): Conflicting classifications of pathogenicity. Review status: criteria provided, conflicting classifications (1 of 4 stars). 3 submissions from 3 submitters: Uncertain significance (2); Likely benign (1). Last evaluated 2025-07-07.

Conditions:
MSH6-related disorder. Also called: MSH6-related condition; MSH6-Related disorders.
Hereditary cancer-predisposing syndrome. Also called: Tumor predisposition; Hereditary neoplastic syndrome; Neoplastic Syndromes, Hereditary; Hereditary Cancer Syndrome. Identifiers: Orphanet 140162, MedGen C0027672, MeSH D009386, MONDO:0015356.
Hereditary nonpolyposis colorectal neoplasms. Identifiers: MedGen C0009405, MeSH D003123.

gnomAD v4.1: 1 of 1,614,216 alleles (0.000062%); highest among the groups gnomAD compares: Non-Finnish European, 0.000085%; no homozygotes.

Submissions (3):

PreventionGenetics, part of Exact Sciences
Classification: Uncertain significance for MSH6-related condition. Last evaluated: 2025-07-07. Review status: criteria provided, single submitter. Criteria: ACMG Guidelines, 2015. Collection method: clinical testing. Allele origin: germline.
Comment: The MSH6 c.980C>A variant is predicted to result in the amino acid substitution p.Thr327Asn. To our knowledge, this variant has not been reported in the literature or in a large population database (gnomAD), indicating this variant is rare. This variant has conflicting interpretations in ClinVar ranging from uncertain to likely benign. At this time, the clinical significance of this variant is uncertain due to the absence of conclusive functional and genetic evidence.

Labcorp Genetics (formerly Invitae), Labcorp
Classification: Uncertain significance for Hereditary nonpolyposis colorectal neoplasms. Last evaluated: 2024-09-01. Review status: criteria provided, single submitter. Criteria: Invitae Variant Classification Sherloc (09022015). Collection method: clinical testing. Allele origin: germline.
Comment: This sequence change replaces threonine, which is neutral and polar, with asparagine, which is neutral and polar, at codon 327 of the MSH6 protein (p.Thr327Asn). This variant is not present in population databases (gnomAD no frequency). This variant has not been reported in the literature in individuals affected with MSH6-related conditions. ClinVar contains an entry for this variant (Variation ID: 1045496). Invitae Evidence Modeling of protein sequence and biophysical properties (such as structural, functional, and spatial information, amino acid conservation, physicochemical variation, residue mobility, and thermodynamic stability) indicates that this missense variant is not expected to disrupt MSH6 protein function with a negative predictive value of 95%. In summary, the available evidence is currently insufficient to determine the role of this variant in disease. Therefore, it has been classified as a Variant of Uncertain Significance.

Ambry Genetics
Classification: Likely benign for Hereditary cancer-predisposing syndrome. Last evaluated: 2024-05-30. Review status: criteria provided, single submitter. Criteria: Ambry Variant Classification Scheme 2023. Collection method: clinical testing. Allele origin: germline.

NM_000179.3(MSH6):c.980C>A (p.Thr327Asn)

Gene: MSH6 (mutS homolog 6; plus strand). Cytogenetic location: 2p16.3.
Variant type: single nucleotide variant.
Coding change: c.980C>A on transcript NM_000179.3 (MANE Select); coding-DNA position 980, C replaced by A.
Protein change: p.Thr327Asn; replaces threonine 327 with asparagine.
Molecular consequence: missense variant.
Genome position (GRCh38, 1-based): chr2:47,798,963, C>A. VCF-style: chr2-47798963-C-A. GRCh37 (hg19) VCF-style: chr2-48026102-C-A.
Other names: c.590C>A, p.Thr197Asn (NM_001281492.2); c.74C>A, p.Thr25Asn (NM_001281493.2, NM_001281494.2); c.980C>A (NM_000179.2); short protein forms T197N, T327N, T25N.
Identifiers: ClinVar variation 1045496 (VCV001045496.11), dbSNP rs369568820, ClinGen allele CA346741019.